The following is an entry in ClinVar:

NM_015346.4(ZFYVE26):c.655T>A (p.Tyr219Asn)

Gene: ZFYVE26 (zinc finger FYVE-type containing 26; minus strand). Cytogenetic location: 14q24.1.
Variant type: single nucleotide variant.
Coding change: c.655T>A on transcript NM_015346.4 (MANE Select); coding-DNA position 655, T replaced by A.
Protein change: p.Tyr219Asn; replaces tyrosine 219 with asparagine.
Molecular consequence: missense variant.
Genome position (GRCh38, 1-based): chr14:67,807,629, A>T on the plus strand (T>A on the coding strand, the complement: ZFYVE26 is on the minus strand). VCF-style: chr14-67807629-A-T. GRCh37 (hg19) VCF-style: chr14-68274346-A-T.
Other names: short protein forms Y219N.
Identifiers: ClinVar variation 1446085 (VCV001446085.6), dbSNP rs746240532, ClinGen allele CA7240743.
Genomic context (GRCh38, chr14:67,807,629, plus strand): 5'-GGAGATGCAACTCAACCCCAAGTGGTTCTGCGGGGCAACGCAGAGTCCGCAGGGCTCCAT[A>T]GATGGCATCGACTACCCCAGGGGGCACCGAATCAGGGCCCTGCAAAGCCCGCAATGCCTT-3'
Protein context (NP_056161.2, residues 209-229): SVPPGVVDAI[Tyr219Asn]GALRTLRCPA

ClinVar aggregate classification (germline): Uncertain significance (1 of 4 stars; one submission).

Conditions:
Spastic paraplegia. Identifiers: MedGen C0037772, HP:0001258.

Allele frequency attached by ClinVar (database versions not stated): gnomAD exomes below 0.00001 and 0.00001; ExAC 0.00002.

Submission:

Labcorp Genetics (formerly Invitae), Labcorp
Classification: Uncertain significance for Spastic paraplegia. Last evaluated: 2022-05-27. Review status: criteria provided, single submitter. Criteria: Invitae Variant Classification Sherloc (09022015). Collection method: clinical testing. Allele origin: germline.
Comment: In summary, the available evidence is currently insufficient to determine the role of this variant in disease. Therefore, it has been classified as a Variant of Uncertain Significance. Algorithms developed to predict the effect of missense changes on protein structure and function are either unavailable or do not agree on the potential impact of this missense change (SIFT: "Tolerated"; PolyPhen-2: "Possibly Damaging"; Align-GVGD: "Class C0"). This variant has not been reported in the literature in individuals affected with ZFYVE26-related conditions. This variant is present in population databases (rs746240532, gnomAD 0.002%). This sequence change replaces tyrosine, which is neutral and polar, with asparagine, which is neutral and polar, at codon 219 of the ZFYVE26 protein (p.Tyr219Asn).